The following is an entry in ClinVar:

ClinVar aggregate classification (germline): Uncertain significance. Review status: criteria provided, multiple submitters, no conflicts (2 of 4 stars). 3 submissions from 3 submitters: Uncertain significance (2). 1 of the submissions does not count toward it. Last evaluated 2025-04-16.

Conditions:
Nephronophthisis. Also called: Juvenile Nephronophthisis. Identifiers: Orphanet 655, MedGen C0687120, MONDO:0019005, HP:0000090.
Nephronophthisis 1 (NPHP1). Also called: Nephronophthisis familial juvenile. Identifiers: Orphanet 655, Orphanet 93592, MedGen C1855681, MONDO:0009728, OMIM 256100.
Senior-Loken syndrome 1 (SLSN1). Also called: JUVENILE NEPHRONOPHTHISIS WITH LEBER AMAUROSIS. Identifiers: Orphanet 3156, MedGen C4551559, MONDO:0009962, OMIM 266900.
Joubert syndrome with renal defect. Also called: JOUBERT SYNDROME 4. Identifiers: Orphanet 220497, MedGen C1846790, MONDO:0012308, OMIM 609583.
NPHP1-related disorder. Also called: NPHP1-related condition; NPHP1-related disorders.

Allele frequency attached by ClinVar (database versions not stated): ExAC 0.00002; TOPMed 0.00001; gnomAD exomes 0.00005 and 0.00001.
gnomAD v4.1: 63 of 1,610,468 alleles (0.0039%); highest among the groups gnomAD compares: Non-Finnish European, 0.0054%; no homozygotes.

Submissions (3):

Labcorp Genetics (formerly Invitae), Labcorp
Classification: Uncertain significance for Nephronophthisis. Last evaluated: 2025-04-16. Review status: criteria provided, single submitter. Criteria: Invitae Variant Classification Sherloc (09022015). Collection method: clinical testing. Allele origin: germline.
Comment: This sequence change replaces methionine, which is neutral and non-polar, with leucine, which is neutral and non-polar, at codon 393 of the NPHP1 protein (p.Met393Leu). This variant is present in population databases (rs780706360, gnomAD 0.003%). This variant has not been reported in the literature in individuals affected with NPHP1-related conditions. ClinVar contains an entry for this variant (Variation ID: 1035675). Invitae Evidence Modeling of protein sequence and biophysical properties (such as structural, functional, and spatial information, amino acid conservation, physicochemical variation, residue mobility, and thermodynamic stability) indicates that this missense variant is not expected to disrupt NPHP1 protein function with a negative predictive value of 80%. In summary, the available evidence is currently insufficient to determine the role of this variant in disease. Therefore, it has been classified as a Variant of Uncertain Significance.

Fulgent Genetics
Classification: Uncertain significance for Nephronophthisis 1; Senior-Loken syndrome 1; Joubert syndrome with renal defect. Last evaluated: 2022-04-20. Review status: criteria provided, single submitter. Criteria: ACMG Guidelines, 2015. Collection method: clinical testing. Allele origin: unknown.

PreventionGenetics, part of Exact Sciences
Classification: Uncertain significance for NPHP1-related condition. Last evaluated: 2024-08-20. Review status: no assertion criteria provided. Collection method: clinical testing. Allele origin: germline. Not counted in ClinVar's aggregate classification.
Comment: The NPHP1 c.1177A>C variant is predicted to result in the amino acid substitution p.Met393Leu. To our knowledge, this variant has not been reported in the literature. This variant is reported in 0.0026% of alleles in individuals of European (Non-Finnish) descent in gnomAD. At this time, the clinical significance of this variant is uncertain due to the absence of conclusive functional and genetic evidence.

NM_001128178.3(NPHP1):c.1009A>C (p.Met337Leu)

Gene: NPHP1 (nephrocystin 1; minus strand). Cytogenetic location: 2q13.
Variant type: single nucleotide variant.
Coding change: c.1009A>C on transcript NM_001128178.3 (MANE Select); coding-DNA position 1009, A replaced by C.
Protein change: p.Met337Leu; replaces methionine 337 with leucine.
Molecular consequence: missense variant.
Genome position (GRCh38, 1-based): chr2:110,160,201, T>G on the plus strand (A>C on the coding strand, the complement: NPHP1 is on the minus strand). VCF-style: chr2-110160201-T-G. GRCh37 (hg19) VCF-style: chr2-110917778-T-G.
Other names: c.1177A>C (NM_000272.3); c.1177A>C, p.Met393Leu (NM_000272.5); c.820A>C, p.Met274Leu (NM_001128179.3); c.1006A>C, p.Met336Leu (NM_001374256.1); c.1009A>C, p.Met337Leu (NM_001374257.1); c.1174A>C, p.Met392Leu (NM_207181.4); short protein forms M337L, M274L, M336L, M392L, M393L.
Identifiers: ClinVar variation 1035675 (VCV001035675.9), dbSNP rs780706360, ClinGen allele CA1827149.